The following is an entry in ClinVar:

NM_022489.4(INF2):c.1594G>A (p.Gly532Arg)

Gene: INF2 (inverted formin 2; plus strand). Cytogenetic location: 14q32.33.
Variant type: single nucleotide variant.
Coding change: c.1594G>A on transcript NM_022489.4 (MANE Select); coding-DNA position 1594, G replaced by A.
Protein change: p.Gly532Arg; replaces glycine 532 with arginine.
Molecular consequence: missense variant.
Genome position (GRCh38, 1-based): chr14:104,707,861, G>A. VCF-style: chr14-104707861-G-A. GRCh37 (hg19) VCF-style: chr14-105174198-G-A.
Other names: c.1594G>A, p.Gly532Arg (NM_001031714.4, NM_001426862.1, NM_001426863.1 and 2 more transcripts); short protein forms G532R.
Identifiers: ClinVar variation 2944778 (VCV002944778.3), dbSNP rs2541922018, ClinGen allele CA391217640.

ClinVar aggregate classification (germline): Uncertain significance (1 of 4 stars; one submission).

Conditions:
Charcot-Marie-Tooth disease dominant intermediate E. Also called: CHARCOT-MARIE-TOOTH NEUROPATHY WITH FOCAL SEGMENTAL GLOMERULONEPHRITIS. Identifiers: Orphanet 93114, MedGen C4302667, MONDO:0013758, OMIM 614455.
Focal segmental glomerulosclerosis 5 (FSGS5). Identifiers: Orphanet 656, MedGen C2750475, MONDO:0013191, OMIM 613237.

Submission:

Labcorp Genetics (formerly Invitae), Labcorp
Classification: Uncertain significance for Charcot-Marie-Tooth disease dominant intermediate E; Focal segmental glomerulosclerosis 5. Last evaluated: 2023-02-27. Review status: criteria provided, single submitter. Criteria: Invitae Variant Classification Sherloc (09022015). Collection method: clinical testing. Allele origin: germline.
Comment: This sequence change replaces glycine, which is neutral and non-polar, with arginine, which is basic and polar, at codon 532 of the INF2 protein (p.Gly532Arg). This variant is not present in population databases (gnomAD no frequency). This variant has not been reported in the literature in individuals affected with INF2-related conditions. Advanced modeling of protein sequence and biophysical properties (such as structural, functional, and spatial information, amino acid conservation, physicochemical variation, residue mobility, and thermodynamic stability) performed at Invitae indicates that this missense variant is not expected to disrupt INF2 protein function. In summary, the available evidence is currently insufficient to determine the role of this variant in disease. Therefore, it has been classified as a Variant of Uncertain Significance.